The following is an entry in ClinVar:

ClinVar aggregate classification (germline): Benign (1 of 4 stars; one submission).

Allele frequency attached by ClinVar (database versions not stated): gnomAD 0.48686 and 0.49143; TOPMed 0.49961; 1000 Genomes Project 0.52097; 1000 Genomes Project 30x 0.52108.
gnomAD v4.1: 73,368 of 150,792 alleles (49%); highest among the groups gnomAD compares: African/African-American, 64%; 18,799 homozygotes.

Submission:

GeneDx
Classification: Benign. Last evaluated: 2018-06-14. Review status: criteria provided, single submitter. Criteria: GeneDx Variant Classification (06012015). Collection method: clinical testing. Allele origin: germline. Affected: yes.
Comment: This variant is considered likely benign or benign based on one or more of the following criteria: it is a conservative change, it occurs at a poorly conserved position in the protein, it is predicted to be benign by multiple in silico algorithms, and/or has population frequency not consistent with disease.

NM_001098511.3(KIF2A):c.1027+230T>C

Gene: KIF2A (kinesin family member 2A; plus strand). Cytogenetic location: 5q12.1.
Variant type: single nucleotide variant.
Coding change: c.1027+230T>C on transcript NM_001098511.3 (MANE Select); 230 bases into the intron after coding-DNA position 1027, T replaced by C.
Molecular consequence: intron variant.
Genome position (GRCh38, 1-based): chr5:62,361,759, T>C. VCF-style: chr5-62361759-T-C. GRCh37 (hg19) VCF-style: chr5-61657586-T-C.
Other names: c.946+230T>C (NM_001243952.2); c.1027+230T>C (NM_004520.5); c.970+230T>C (NM_001243953.2).
Identifiers: ClinVar variation 682877 (VCV000682877.1), dbSNP rs247268, ClinGen allele CA15367423.